The following is an entry in ClinVar:

NM_001253852.3(AP4B1):c.37C>A (p.Leu13Met)

Genes: AP4B1 (adaptor related protein complex 4 subunit beta 1; minus strand), DCLRE1B (DNA cross-link repair 1B; plus strand), LOC129931235 (ATAC-STARR-seq lymphoblastoid active region 1540; plus strand). Cytogenetic location: 1p13.2.
Variant type: single nucleotide variant.
Coding change: c.37C>A on transcript NM_001253852.3 (MANE Select); coding-DNA position 37, C replaced by A.
Protein change: p.Leu13Met; replaces leucine 13 with methionine.
Molecular consequence: missense variant. On other transcripts: 5 prime UTR variant (2).
Genome position (GRCh38, 1-based): chr1:113,904,681, G>T on the plus strand (C>A on the coding strand, the complement: AP4B1 is on the minus strand). VCF-style: chr1-113904681-G-T. GRCh37 (hg19) VCF-style: chr1-114447303-G-T.
Other names: c.-133C>A (NM_001253853.3); c.37C>A, p.Leu13Met (NM_001308312.2, NM_001437822.1, NM_001438373.1 and 7 more transcripts); c.-358G>T (NM_001319947.2); short protein forms L13M.
Identifiers: ClinVar variation 1878601 (VCV001878601.1), dbSNP rs2526691449, ClinGen allele CA341694135.
Genomic context (GRCh38, chr1:113,904,681, plus strand): 5'-TGACATTCCGGTAGCGCAGCCTATCAGCTTGAATGTGAGGATTGCACAGAGCCTTCTTCA[G>T]CTCCTTCACCACGTCCTCGGAGCCAAGGTACGGCATCTTCCTAAGAGTCACAGGGCAGCT-3'
Protein context (NP_001240781.1, residues 3-23): YLGSEDVVKE[Leu13Met]KKALCNPHIQ

ClinVar aggregate classification (germline): Uncertain significance (1 of 4 stars; one submission).

Conditions:
Hereditary spastic paraplegia 47. Also called: adaptor protein 4 (AP-4) deficiency syndrome; Spastic paraplegia 47, autosomal recessive; CEREBRAL PALSY, SPASTIC QUADRIPLEGIC, 5. Identifiers: Orphanet 280763, MedGen C3279738, MONDO:0013551, OMIM 614066.

gnomAD v4.1: 2 of 1,612,836 alleles (0.00012%); highest among the groups gnomAD compares: Non-Finnish European, 0.00017%; no homozygotes.

Submission:

Neuberg Centre For Genomic Medicine, NCGM
Classification: Uncertain significance for Hereditary spastic paraplegia 47. Review status: criteria provided, single submitter. Criteria: ACMG Guidelines, 2015. Collection method: clinical testing. Allele origin: germline. Affected: yes.
Comment: The missense variant in c.37C>A(p.Leu13Met) in AP4B1 gene has not been reported previously as a pathogenic variant nor as a benign variant, to our knowledge. The p.Leu13Met variant is novel (not in any individuals) in gnomAD Exomes and 1000 Genomes. The amino acid Leu at position 13 is changed to a Met changing protein sequence and it might alter its composition and physico-chemical properties. The variant is predicted to be damaging by both SIFT and PolyPhen2. The residue is conserved across species. The amino acid change p.Leu13Met in AP4B1 is predicted as conserved by GERP++ and PhyloP across 100 vertebrates. For these reasons, this variant has been classified as Uncertain Significance